The following is an entry in ClinVar:

NM_002778.4(PSAP):c.1120del (p.Glu374fs)

Gene: PSAP (prosaposin; minus strand). Cytogenetic location: 10q22.1.
Variant type: Deletion.
Coding change: c.1120del on transcript NM_002778.4 (MANE Select); coding-DNA position 1120, one base deleted (G; older notation c.1120delG).
Protein change: p.Glu374fs; shifts the reading frame from glutamic acid 374.
Molecular consequence: frameshift variant.
Genome position (GRCh38, 1-based): chr10:71,819,786, C deleted on the plus strand (G on the coding strand, the reverse complement: PSAP is on the minus strand); the first of 2 consecutive C bases (chr10:71,819,786-71,819,787); deleting either gives the same sequence. VCF-style (leftmost placement, unchanged base first): chr10-71819785-TC-T. GRCh37 (hg19) VCF-style: chr10-73579542-TC-T.
Other names: c.1129del, p.Glu377fs (NM_001042465.3); c.1126del, p.Glu376fs (NM_001042466.3); short protein forms E374fs, E376fs, E377fs.
Identifiers: ClinVar variation 1070932 (VCV001070932.8), dbSNP rs2133031639, ClinGen allele CA2499220372.
Genomic context (GRCh38, chr10:71,819,785, plus strand): 5'-GGCAGCCGCGTGCCAGAGCAGAGGTGCAGCATGCTGCACACCAGCTCAGGGCTGACCTCC[TC>T]CAGCAGGATGGACAGGATGGAGCTGCCGTACGTGTCCACCACCTCCTGGCACTCTTCCGA-3'

ClinVar aggregate classification (germline): Pathogenic (1 of 4 stars; one submission).

Conditions:
Sphingolipid activator protein 1 deficiency. Also called: METACHROMATIC LEUKODYSTROPHY DUE TO CEREBROSIDE SULFATASE ACTIVATOR DEFICIENCY; Saposin B Deficiency; Metachromatic leukodystrophy due to saposin B deficiency. Identifiers: Orphanet 512, MedGen C0268262, MONDO:0009590, OMIM 249900.

Submission:

Labcorp Genetics (formerly Invitae), Labcorp
Classification: Pathogenic for Sphingolipid activator protein 1 deficiency. Last evaluated: 2020-02-13. Review status: criteria provided, single submitter. Criteria: Invitae Variant Classification Sherloc (09022015). Collection method: clinical testing. Allele origin: germline.
Comment: This sequence change creates a premature translational stop signal (p.Glu374Argfs*23) in the PSAP gene. It is expected to result in an absent or disrupted protein product. This variant is not present in population databases (ExAC no frequency). This variant has not been reported in the literature in individuals with PSAP-related conditions. Loss-of-function variants in PSAP are known to be pathogenic (PMID: 11309366, 19267410). For these reasons, this variant has been classified as Pathogenic.

Literature cited by the submitters: PubMed 11309366; PubMed 19267410.